The following is an entry in ClinVar:

ClinVar aggregate classification (germline): Uncertain significance. Review status: criteria provided, multiple submitters, no conflicts (2 of 4 stars). 3 submissions from 3 submitters: Uncertain significance (3). Last evaluated 2025-11-08.

Conditions:
Inborn genetic diseases. Identifiers: MedGen C0950123, MeSH D030342.
Majeed syndrome (MJDS). Also called: LPIN2-Related Majeed Syndrome; CHRONIC RECURRENT MULTIFOCAL OSTEOMYELITIS 1, WITH CONGENITAL DYSERYTHROPOIETIC ANEMIA, WITH OR WITHOUT NEUTROPHILIC DERMATOSIS. Identifiers: Orphanet 77297, MedGen C1864997, MONDO:0012316, OMIM 609628.

Allele frequency attached by ClinVar (database versions not stated): gnomAD exomes below 0.00001; ExAC 0.00001; gnomAD 0.00001; TOPMed 0.00002.
gnomAD v4.1: 107 of 1,613,950 alleles (0.0066%); highest among the groups gnomAD compares: Non-Finnish European, 0.0089%; no homozygotes.

Submissions (3):

Ambry Genetics
Classification: Uncertain significance for Inborn genetic diseases. Last evaluated: 2025-11-08. Review status: criteria provided, single submitter. Criteria: Ambry Variant Classification Scheme 2023. Collection method: clinical testing. Allele origin: germline.

Labcorp Genetics (formerly Invitae), Labcorp
Classification: Uncertain significance for Majeed syndrome. Last evaluated: 2024-10-16. Review status: criteria provided, single submitter. Criteria: Invitae Variant Classification Sherloc (09022015). Collection method: clinical testing. Allele origin: germline.
Comment: This sequence change replaces leucine, which is neutral and non-polar, with isoleucine, which is neutral and non-polar, at codon 256 of the LPIN2 protein (p.Leu256Ile). This variant is present in population databases (rs765149855, gnomAD 0.004%). This variant has not been reported in the literature in individuals affected with LPIN2-related conditions. ClinVar contains an entry for this variant (Variation ID: 618706). Invitae Evidence Modeling of protein sequence and biophysical properties (such as structural, functional, and spatial information, amino acid conservation, physicochemical variation, residue mobility, and thermodynamic stability) indicates that this missense variant is not expected to disrupt LPIN2 protein function with a negative predictive value of 80%. In summary, the available evidence is currently insufficient to determine the role of this variant in disease. Therefore, it has been classified as a Variant of Uncertain Significance.

ARUP Laboratories, Molecular Genetics and Genomics, ARUP Laboratories
Classification: Uncertain significance. Last evaluated: 2018-02-01. Review status: criteria provided, single submitter. Criteria: ARUP Molecular Germline Variant Investigation Process. Collection method: clinical testing. Allele origin: germline.
Comment: The LPIN2 c.766C>A; p.Leu256Ile (rs765149855) variant has not been reported in the medical literature, to our knowledge. The variant is not reported in gene-specific databases or the ClinVar database. The variant is listed in the Genome Aggregation Database in 2 out of 277222 alleles. The leucine at this position is conserved across species, but computational algorithms (AlignGVGD, SIFT) predict this variant is tolerated. Considering available information, there is insufficient evidence to classify this variant with certainty. Pathogenic LPIN2 variants are causative for autosomal recessive Majeed syndrome (MIM#605519).

NM_001375808.2(LPIN2):c.766C>A (p.Leu256Ile)

Gene: LPIN2 (lipin 2; minus strand). Cytogenetic location: 18p11.31.
Variant type: single nucleotide variant.
Coding change: c.766C>A on transcript NM_001375808.2 (MANE Select); coding-DNA position 766, C replaced by A.
Protein change: p.Leu256Ile; replaces leucine 256 with isoleucine.
Molecular consequence: missense variant.
Genome position (GRCh38, 1-based): chr18:2,939,536, G>T on the plus strand (C>A on the coding strand, the complement: LPIN2 is on the minus strand). VCF-style: chr18-2939536-G-T. GRCh37 (hg19) VCF-style: chr18-2939534-G-T.
Other names: c.766C>A, p.Leu256Ile (NM_001375809.1, NM_014646.2); short protein forms L256I.
Identifiers: ClinVar variation 618706 (VCV000618706.13), dbSNP rs765149855, ClinGen allele CA8873295.